The following is an entry in ClinVar:

NM_003036.4(SKI):c.1474+8_1474+9del

Gene: SKI (SKI proto-oncogene; plus strand). Cytogenetic location: 1p36.32.
Variant type: Microsatellite.
Coding change: c.1474+8_1474+9del on transcript NM_003036.4 (MANE Select); bases 8 to 9 of the intron after coding-DNA position 1474, 2 bases deleted (TG; older notation c.1474+8_1474+9delTG).
Molecular consequence: intron variant.
Genome position (GRCh38, 1-based): chr1:2,304,110-2,304,111, TG deleted; deleting any 2 consecutive bases within chr1:2,304,107-2,304,111 gives the same sequence; the c. name uses the placement nearest the transcript's 3' end. VCF-style (leftmost placement, unchanged base first): chr1-2304106-CGT-C. GRCh37 (hg19) VCF-style: chr1-2235545-CGT-C.
Identifiers: ClinVar variation 2921210 (VCV002921210.1), dbSNP rs1569860802, ClinGen allele CA916091640.
Genomic context (GRCh38, chr1:2,304,106, plus strand): 5'-CCCCAGAGGAGGACAAGGACTCGGAGGCGGAGGTGGAAGTTGAAAGCAGGGAGGAATGTA[CGT>C]GTGAGTCGCTTTCTGTGCCTCCTCCCTGTGGGCTGTGGGGGTGGCACTGGCTGAGGGGGG-3'

ClinVar aggregate classification (germline): Uncertain significance (1 of 4 stars; one submission).

Conditions:
Shprintzen-Goldberg syndrome (SGS). Also called: SHPRINTZEN-GOLDBERG CRANIOSYNOSTOSIS SYNDROME; CRANIOSYNOSTOSIS WITH ARACHNODACTYLY AND ABDOMINAL HERNIAS; Marfanoid disorder with craniosynostosis type 1; Marfanoid craniosynostosis syndrome; Shprintzen-Goldberg marfanoid syndrome. Identifiers: Orphanet 2462, MedGen C1321551, MONDO:0008426, OMIM 182212.

Submission:

ARUP Laboratories, Molecular Genetics and Genomics, ARUP Laboratories
Classification: Uncertain significance for Shprintzen-Goldberg syndrome. Last evaluated: 2023-11-27. Review status: criteria provided, single submitter. Criteria: ARUP Molecular Germline Variant Investigation Process 2024. Collection method: clinical testing. Allele origin: germline.
Comment: The SKI c.1474+8_1474+9del variant (rs1569860802), to our knowledge, is not reported in the medical literature or gene specific databases. This variant is also absent from the Genome Aggregation Database (v2.1.1), indicating it is not a common polymorphism. This is an intronic variant, and computational analyses (Alamut Visual Plus v.1.5.1) predict that this variant may impact splicing by strengthening a cryptic donor splice site and weakening the nearby canonical donor splice site. However, without functional studies the effect on splicing is unknown. Additionally, loss-of-function is not an established mechanism of disease for variants in the SKI gene. Due to limited information, the clinical significance of this variant is uncertain at this time.